The following is an entry in ClinVar:

ClinVar aggregate classification (germline): Uncertain significance (1 of 4 stars; one submission).

Submission:

Labcorp Genetics (formerly Invitae), Labcorp
Classification: Uncertain significance. Last evaluated: 2022-08-09. Review status: criteria provided, single submitter. Criteria: Invitae Variant Classification Sherloc (09022015). Collection method: clinical testing. Allele origin: germline.
Comment: In summary, the available evidence is currently insufficient to determine the role of this variant in disease. Therefore, it has been classified as a Variant of Uncertain Significance. Algorithms developed to predict the effect of missense changes on protein structure and function are either unavailable or do not agree on the potential impact of this missense change (SIFT: "Not Available"; PolyPhen-2: "Probably Damaging"; Align-GVGD: "Not Available"). This variant has not been reported in the literature in individuals affected with ACO2-related conditions. Information on the frequency of this variant in the gnomAD database is not available, as this variant may be reported differently in the database. This sequence change replaces glutamic acid, which is acidic and polar, with leucine, which is neutral and non-polar, at codon 667 of the ACO2 protein (p.Glu667Leu).

NM_001098.3(ACO2):c.1999_2000delinsTT (p.Glu667Leu)

Genes: ACO2 (aconitase 2; plus strand), POLR3H (RNA polymerase III subunit H; minus strand). Cytogenetic location: 22q13.2.
Variant type: Indel.
Coding change: c.1999_2000delinsTT on transcript NM_001098.3 (MANE Select); coding-DNA positions 1999 to 2000, GA replaced by TT.
Protein change: p.Glu667Leu; replaces glutamic acid 667 with leucine.
Molecular consequence: missense variant. On other transcripts: 3 prime UTR variant (5).
Genome position (GRCh38, 1-based): chr22:41,527,333-41,527,334, GA replaced by TT. VCF-style: chr22-41527333-GA-TT. GRCh37 (hg19) VCF-style: chr22-41923337-GA-TT.
Other names: c.*1949_*1950delinsAA (NM_001018050.4, NM_001018052.4, NM_001282884.2 and 2 more transcripts); short protein forms E667L.
Identifiers: ClinVar variation 1715924 (VCV001715924.5), dbSNP rs2518240786, ClinGen allele CA2580099872.
Genomic context (GRCh38, chr22:41,527,333, plus strand): 5'-CCGCTTGCCTGACAGAAACATGGCATCAGGTGGGTGGTGATCGGAGACGAGAACTACGGC[GA>TT]GGGCTCGAGCCGGGAGCATGCAGCTCTGGAGCCTCGCCACCTTGGGGGCCGGGCCATCAT-3'
Protein context (NP_001089.1, residues 657-677): WVVIGDENYG[Glu667Leu]GSSREHAALE